The following is an entry in ClinVar:

NM_004260.4(RECQL4):c.3082G>C (p.Val1028Leu)

Gene: RECQL4 (RecQ like helicase 4; minus strand). Cytogenetic location: 8q24.3.
Variant type: single nucleotide variant.
Coding change: c.3082G>C on transcript NM_004260.4 (MANE Select); coding-DNA position 3082, G replaced by C.
Protein change: p.Val1028Leu; replaces valine 1028 with leucine.
Molecular consequence: missense variant.
Genome position (GRCh38, 1-based): chr8:144,512,298, C>G on the plus strand (G>C on the coding strand, the complement: RECQL4 is on the minus strand). VCF-style: chr8-144512298-C-G. GRCh37 (hg19) VCF-style: chr8-145737681-C-G.
Other names: short protein forms V1028L.
Identifiers: ClinVar variation 1036070 (VCV001036070.3), dbSNP rs1827394205, ClinGen allele CA372670782.
Genomic context (GRCh38, chr8:144,512,298, plus strand): 5'-TCTCCTCAGCGGTCAAGTCCCCCGGGCTGCGAAGGTGGAAGGCCAGCTCACTGAACTCCA[C>G]AAGCACCCCTGTCCCACGCCGCACACCTGCCGGAAAGCATGTCAGATGCAGGCAGGCAGC-3'
Protein context (NP_004251.4, residues 1018-1038): TGVRRGTGVL[Val1028Leu]EFSELAFHLR

ClinVar aggregate classification (germline): Uncertain significance (1 of 4 stars; one submission).

Conditions:
Baller-Gerold syndrome (BGS). Also called: CRANIOSYNOSTOSIS WITH RADIAL DEFECTS. Identifiers: Orphanet 1225, MedGen C0265308, MONDO:0009039, OMIM 218600.

Submission:

Labcorp Genetics (formerly Invitae), Labcorp
Classification: Uncertain significance for Baller-Gerold syndrome. Last evaluated: 2020-07-29. Review status: criteria provided, single submitter. Criteria: Invitae Variant Classification Sherloc (09022015). Collection method: clinical testing. Allele origin: germline.
Comment: In summary, the available evidence is currently insufficient to determine the role of this variant in disease. Therefore, it has been classified as a Variant of Uncertain Significance. Experimental studies and prediction algorithms are not available or were not evaluated, and the functional significance of this variant is currently unknown. This variant has not been reported in the literature in individuals with RECQL4-related conditions. This variant is not present in population databases (ExAC no frequency). This sequence change replaces valine with leucine at codon 1028 of the RECQL4 protein (p.Val1028Leu). The valine residue is highly conserved and there is a small physicochemical difference between valine and leucine.